The following is an entry in ClinVar:

NM_000051.4(ATM):c.1793T>C (p.Ile598Thr)

Gene: ATM (ATM serine/threonine kinase; plus strand). Cytogenetic location: 11q22.3.
Variant type: single nucleotide variant.
Coding change: c.1793T>C on transcript NM_000051.4 (MANE Select); coding-DNA position 1793, T replaced by C.
Protein change: p.Ile598Thr; replaces isoleucine 598 with threonine.
Molecular consequence: missense variant.
Genome position (GRCh38, 1-based): chr11:108,252,022, T>C. VCF-style: chr11-108252022-T-C. GRCh37 (hg19) VCF-style: chr11-108122749-T-C.
Other names: c.1793T>C, p.Ile598Thr (NM_001351834.2); short protein forms I598T.
Identifiers: ClinVar variation 820091 (VCV000820091.4), dbSNP rs1591528409, ClinGen allele CA382535560.

ClinVar aggregate classification (germline): Uncertain significance (1 of 4 stars; one submission).

Conditions:
Hereditary cancer-predisposing syndrome. Also called: Neoplastic Syndromes, Hereditary; Tumor predisposition; Hereditary Cancer Syndrome; Hereditary neoplastic syndrome. Identifiers: Orphanet 140162, MedGen C0027672, MeSH D009386, MONDO:0015356.

Submission:

Ambry Genetics
Classification: Uncertain significance for Hereditary cancer-predisposing syndrome. Last evaluated: 2019-04-28. Review status: criteria provided, single submitter. Criteria: Ambry Variant Classification Scheme 2023. Collection method: clinical testing. Allele origin: germline.
Comment: The p.I598T variant (also known as c.1793T>C), located in coding exon 10 of the ATM gene, results from a T to C substitution at nucleotide position 1793. The isoleucine at codon 598 is replaced by threonine, an amino acid with similar properties. This amino acid position is poorly conserved in available vertebrate species. In addition, this alteration is predicted to be tolerated by in silico analysis. Since supporting evidence is limited at this time, the clinical significance of this alteration remains unclear.